The following is an entry in ClinVar:

ClinVar aggregate classification (germline): Uncertain significance (1 of 4 stars; one submission).

Conditions:
Deficiency of aromatic-L-amino-acid decarboxylase. Also called: AADC DEFICIENCY; Aromatic L-Amino Acid Decarboxylase Deficiency; Aromatic amino acid decarboxylase deficiency; DDC DEFICIENCY; DOPA DECARBOXYLASE DEFICIENCY. Identifiers: Orphanet 35708, MedGen C1291564, MONDO:0012084, OMIM 608643.

Submission:

Labcorp Genetics (formerly Invitae), Labcorp
Classification: Uncertain significance for Deficiency of aromatic-L-amino-acid decarboxylase. Last evaluated: 2022-02-10. Review status: criteria provided, single submitter. Criteria: Invitae Variant Classification Sherloc (09022015). Collection method: clinical testing. Allele origin: germline.
Comment: Algorithms developed to predict the effect of missense changes on protein structure and function (SIFT, PolyPhen-2, Align-GVGD) all suggest that this variant is likely to be disruptive. This sequence change replaces glycine, which is neutral and non-polar, with arginine, which is basic and polar, at codon 140 of the DDC protein (p.Gly140Arg). This variant is not present in population databases (gnomAD no frequency). This variant has not been reported in the literature in individuals affected with DDC-related conditions. In summary, the available evidence is currently insufficient to determine the role of this variant in disease. Therefore, it has been classified as a Variant of Uncertain Significance.

NM_001082971.2(DDC):c.418G>C (p.Gly140Arg)

Genes: DDC (dopa decarboxylase; minus strand), DDC-AS1 (DDC antisense RNA 1; plus strand). Cytogenetic location: 7p12.1.
Variant type: single nucleotide variant.
Coding change: c.418G>C on transcript NM_001082971.2 (MANE Select); coding-DNA position 418, G replaced by C.
Protein change: p.Gly140Arg; replaces glycine 140 with arginine.
Molecular consequence: missense variant. On other transcripts: intron variant (1).
Genome position (GRCh38, 1-based): chr7:50,537,877, C>G on the plus strand (G>C on the coding strand, the complement: DDC is on the minus strand). VCF-style: chr7-50537877-C-G. GRCh37 (hg19) VCF-style: chr7-50605575-C-G.
Other names: c.418G>C, p.Gly140Arg (NM_000790.4, NM_001242887.2, NM_001242889.2 and 1 more transcripts); c.304G>C, p.Gly102Arg (NM_001242886.2); c.201+6008G>C (NM_001242888.2); short protein forms G102R, G140R.
Identifiers: ClinVar variation 1348444 (VCV001348444.8), dbSNP rs2153548491, ClinGen allele CA367527792.